The following is an entry in ClinVar:

ClinVar aggregate classification (germline): Uncertain significance. Review status: criteria provided, multiple submitters, no conflicts (2 of 4 stars). 3 submissions from 3 submitters: Uncertain significance (3). Last evaluated 2025-11-20.

Conditions:
Inborn genetic diseases. Identifiers: MedGen C0950123, MeSH D030342.

Allele frequency attached by ClinVar (database versions not stated): ExAC 0.00003; gnomAD exomes 0.00004; gnomAD 0.00005; TOPMed 0.00005; ESP Exome Variant Server 0.00008.
gnomAD v4.1: 99 of 1,612,872 alleles (0.0061%); highest among the groups gnomAD compares: Non-Finnish European, 0.0083%; no homozygotes.

Submissions (3):

Ambry Genetics
Classification: Uncertain significance for Inborn genetic diseases. Last evaluated: 2025-11-20. Review status: criteria provided, single submitter. Criteria: Ambry Variant Classification Scheme 2023. Collection method: clinical testing. Allele origin: germline.

Blueprint Genetics
Classification: Uncertain significance. Last evaluated: 2024-10-28. Review status: criteria provided, single submitter. Criteria: ACMG Guidelines, 2015. Collection method: clinical testing. Allele origin: germline.

Labcorp Genetics (formerly Invitae), Labcorp
Classification: Uncertain significance. Last evaluated: 2024-03-13. Review status: criteria provided, single submitter. Criteria: Invitae Variant Classification Sherloc (09022015). Collection method: clinical testing. Allele origin: germline.
Comment: This sequence change replaces arginine, which is basic and polar, with histidine, which is basic and polar, at codon 404 of the ZNF408 protein (p.Arg404His). This variant is present in population databases (rs140116816, gnomAD 0.009%). This variant has not been reported in the literature in individuals affected with ZNF408-related conditions. ClinVar contains an entry for this variant (Variation ID: 966268). Algorithms developed to predict the effect of missense changes on protein structure and function output the following: SIFT: "Not Available"; PolyPhen-2: "Probably Damaging"; Align-GVGD: "Not Available". The histidine amino acid residue is found in multiple mammalian species, which suggests that this missense change does not adversely affect protein function. In summary, the available evidence is currently insufficient to determine the role of this variant in disease. Therefore, it has been classified as a Variant of Uncertain Significance.

NM_024741.3(ZNF408):c.1211G>A (p.Arg404His)

Gene: ZNF408 (zinc finger protein 408; plus strand). Cytogenetic location: 11p11.2.
Variant type: single nucleotide variant.
Coding change: c.1211G>A on transcript NM_024741.3 (MANE Select); coding-DNA position 1211, G replaced by A.
Protein change: p.Arg404His; replaces arginine 404 with histidine.
Molecular consequence: missense variant.
Genome position (GRCh38, 1-based): chr11:46,704,911, G>A. VCF-style: chr11-46704911-G-A. GRCh37 (hg19) VCF-style: chr11-46726461-G-A.
Other names: c.1187G>A, p.Arg396His (NM_001184751.2); short protein forms R396H, R404H.
Identifiers: ClinVar variation 966268 (VCV000966268.9), dbSNP rs140116816, ClinGen allele CA5966512.